The following is an entry in ClinVar:

ClinVar aggregate classification (germline): Likely benign (1 of 4 stars; one submission).

Allele frequency attached by ClinVar (database versions not stated): gnomAD exomes 0.00040; 1000 Genomes Project 0.00459; 1000 Genomes Project 30x 0.00562; gnomAD 0.00573.
gnomAD v4.1: 894 of 243,730 alleles (0.37%); highest among the groups gnomAD compares: African/African-American, 2%; 7 homozygotes.

Submission:

GeneDx
Classification: Likely benign. Last evaluated: 2019-07-26. Review status: criteria provided, single submitter. Criteria: GeneDx Variant Classification Process June 2021. Collection method: clinical testing. Allele origin: germline. Affected: yes.
Comment: See Variant Classification Assertion Criteria.

NM_000135.4(FANCA):c.79+223C>T

Gene: FANCA (FA complementation group A; minus strand). Cytogenetic location: 16q24.3.
Variant type: single nucleotide variant.
Coding change: c.79+223C>T on transcript NM_000135.4 (MANE Select); 223 bases into the intron after coding-DNA position 79, C replaced by T.
Molecular consequence: intron variant.
Genome position (GRCh38, 1-based): chr16:89,816,314, G>A on the plus strand (C>T on the coding strand, the complement: FANCA is on the minus strand). VCF-style: chr16-89816314-G-A. GRCh37 (hg19) VCF-style: chr16-89882722-G-A.
Other names: c.79+223C>T (NM_001286167.3, NM_001351830.2, NM_001018112.3).
Identifiers: ClinVar variation 1804631 (VCV001804631.1), dbSNP rs191926922, ClinGen allele CA286612623.